The following is an entry in ClinVar:

NM_025257.3(SLC44A4):c.643C>G (p.Arg215Gly)

Gene: SLC44A4 (solute carrier family 44 member 4; minus strand). Cytogenetic location: 6p21.33.
Variant type: single nucleotide variant.
Coding change: c.643C>G on transcript NM_025257.3 (MANE Select); coding-DNA position 643, C replaced by G.
Protein change: p.Arg215Gly; replaces arginine 215 with glycine.
Molecular consequence: missense variant.
Genome position (GRCh38, 1-based): chr6:31,871,372, G>C on the plus strand (C>G on the coding strand, the complement: SLC44A4 is on the minus strand). VCF-style: chr6-31871372-G-C. GRCh37 (hg19) VCF-style: chr6-31839149-G-C.
Other names: c.517C>G, p.Arg173Gly (NM_001178044.2); c.415C>G, p.Arg139Gly (NM_001178045.2); short protein forms R215G, R139G, R173G.
Identifiers: ClinVar variation 3797869 (VCV003797869.2).
Genomic context (GRCh38, chr6:31,871,372, plus strand): 5'-ACACAAGAATCCAATACCAGGACTGGGCAAAATCTTCAAAGATCTTAACACTGATGTCTC[G>C]GGCATTGAGGCTGTCAATAAGACCGCTGTTGGGGAGACAGAGTCAGATGGGGCTGTGGGT-3'
Protein context (NP_079533.2, residues 205-225): ISGLIDSLNA[Arg215Gly]DISVKIFEDF

ClinVar aggregate classification (germline): Conflicting classifications of pathogenicity. Review status: criteria provided, conflicting classifications (1 of 4 stars). 2 submissions from 2 submitters: Uncertain significance (1); Likely benign (1). Last evaluated 2025-04-28.

Conditions:
SLC44A4-related disorder. Also called: SLC44A4-related condition.

gnomAD v4.1: 40 of 1,614,052 alleles (0.0025%); highest among the groups gnomAD compares: African/African-American, 0.051%; no homozygotes.

Submissions (2):

PreventionGenetics, part of Exact Sciences
Classification: Likely benign for SLC44A4-related condition. Last evaluated: 2025-04-28. Review status: criteria provided, single submitter. Criteria: ACMG Guidelines, 2015. Collection method: clinical testing. Allele origin: germline.
Comment: This variant is classified as likely benign based on ACMG/AMP sequence variant interpretation guidelines (Richards et al. 2015 PMID: 25741868, with internal and published modifications).

Ambry Genetics
Classification: Uncertain significance. Last evaluated: 2025-01-30. Review status: criteria provided, single submitter. Criteria: Ambry Variant Classification Scheme 2023. Collection method: clinical testing. Allele origin: germline.